The following is an entry in ClinVar:

NM_178161.3(PTF1A):c.749A>T (p.Gln250Leu)

Gene: PTF1A (pancreas associated transcription factor 1a; plus strand). Cytogenetic location: 10p12.2.
Variant type: single nucleotide variant.
Coding change: c.749A>T on transcript NM_178161.3 (MANE Select); coding-DNA position 749, A replaced by T.
Protein change: p.Gln250Leu; replaces glutamine 250 with leucine.
Molecular consequence: missense variant.
Genome position (GRCh38, 1-based): chr10:23,193,279, A>T. VCF-style: chr10-23193279-A-T. GRCh37 (hg19) VCF-style: chr10-23482208-A-T.
Other names: short protein forms Q250L.
Identifiers: ClinVar variation 1719465 (VCV001719465.5), dbSNP rs2492672812, ClinGen allele CA376263272.

ClinVar aggregate classification (germline): Uncertain significance (1 of 4 stars; one submission).

Submission:

Labcorp Genetics (formerly Invitae), Labcorp
Classification: Uncertain significance. Last evaluated: 2022-09-10. Review status: criteria provided, single submitter. Criteria: Invitae Variant Classification Sherloc (09022015). Collection method: clinical testing. Allele origin: germline.
Comment: This sequence change replaces glutamine, which is neutral and polar, with leucine, which is neutral and non-polar, at codon 250 of the PTF1A protein (p.Gln250Leu). This variant is not present in population databases (gnomAD no frequency). This variant has not been reported in the literature in individuals affected with PTF1A-related conditions. Advanced modeling of protein sequence and biophysical properties (such as structural, functional, and spatial information, amino acid conservation, physicochemical variation, residue mobility, and thermodynamic stability) performed at Invitae indicates that this missense variant is not expected to disrupt PTF1A protein function. In summary, the available evidence is currently insufficient to determine the role of this variant in disease. Therefore, it has been classified as a Variant of Uncertain Significance.